The following is an entry in ClinVar:

ClinVar aggregate classification (germline): Uncertain significance. Review status: criteria provided, multiple submitters, no conflicts (2 of 4 stars). 2 submissions from 2 submitters: Uncertain significance (2). Last evaluated 2024-07-30.

Conditions:
Duchenne muscular dystrophy (DMD). Also called: Duchenne Muscular Dystrophy (DMD); MUSCULAR DYSTROPHY, PSEUDOHYPERTROPHIC PROGRESSIVE, DUCHENNE TYPE. Identifiers: Orphanet 98896, MedGen C0013264, MONDO:0010679, OMIM 310200.

Allele frequency attached by ClinVar (database versions not stated): gnomAD exomes below 0.00001.

Submissions (2):

Labcorp Genetics (formerly Invitae), Labcorp
Classification: Uncertain significance for Duchenne muscular dystrophy. Last evaluated: 2024-07-30. Review status: criteria provided, single submitter. Criteria: Invitae Variant Classification Sherloc (09022015). Collection method: clinical testing. Allele origin: germline.
Comment: This sequence change replaces glycine, which is neutral and non-polar, with arginine, which is basic and polar, at codon 2166 of the DMD protein (p.Gly2166Arg). This variant is not present in population databases (gnomAD no frequency). This variant has not been reported in the literature in individuals affected with DMD-related conditions. ClinVar contains an entry for this variant (Variation ID: 1446041). Advanced modeling of protein sequence and biophysical properties (such as structural, functional, and spatial information, amino acid conservation, physicochemical variation, residue mobility, and thermodynamic stability) performed at Invitae indicates that this missense variant is not expected to disrupt DMD protein function with a negative predictive value of 95%. In summary, the available evidence is currently insufficient to determine the role of this variant in disease. Therefore, it has been classified as a Variant of Uncertain Significance.

Clinical Genetics Laboratory, Skane University Hospital Lund
Classification: Uncertain significance. Last evaluated: 2022-05-27. Review status: criteria provided, single submitter. Criteria: ACMG Guidelines, 2015. Collection method: clinical testing. Allele origin: germline. Affected: yes.

NM_004006.3(DMD):c.6496G>A (p.Gly2166Arg)

Gene: DMD (dystrophin; minus strand). Cytogenetic location: Xp21.1.
Variant type: single nucleotide variant.
Coding change: c.6496G>A on transcript NM_004006.3 (MANE Select); coding-DNA position 6496, G replaced by A.
Protein change: p.Gly2166Arg; replaces glycine 2166 with arginine.
Molecular consequence: missense variant. On other transcripts: 5 prime UTR variant (5).
Genome position (GRCh38, 1-based): chrX:31,968,457, C>T on the plus strand (G>A on the coding strand, the complement: DMD is on the minus strand). VCF-style: chrX-31968457-C-T. GRCh37 (hg19) VCF-style: chrX-31986574-C-T.
Other names: c.6472G>A, p.Gly2158Arg (NM_000109.4); c.6484G>A, p.Gly2162Arg (NM_004009.3); c.6127G>A, p.Gly2043Arg (NM_004010.3); c.2473G>A, p.Gly825Arg (NM_004011.4); c.2464G>A, p.Gly822Arg (NM_004012.4); c.-885G>A (NM_004013.3, NM_004020.4, NM_004021.3 and 2 more transcripts); c.6496G>A (NM_004006.2); short protein forms G2162R, G2158R, G822R, G825R, G2043R, G2166R.
Identifiers: ClinVar variation 1446041 (VCV001446041.11), dbSNP rs2095370321, ClinGen allele CA412659719.